The following is an entry in ClinVar:

ClinVar aggregate classification (germline): Pathogenic (1 of 4 stars; one submission).

Submission:

Labcorp Genetics (formerly Invitae), Labcorp
Classification: Pathogenic. Last evaluated: 2024-02-28. Review status: criteria provided, single submitter. Criteria: Invitae Variant Classification Sherloc (09022015). Collection method: clinical testing. Allele origin: germline.
Comment: This sequence change creates a premature translational stop signal (p.Arg795Lysfs*6) in the LARS gene. It is expected to result in an absent or disrupted protein product. Loss-of-function variants in LARS are known to be pathogenic (PMID: 32699352, 33300650). This variant is present in population databases (no rsID available, gnomAD 0.003%). This variant has not been reported in the literature in individuals affected with LARS-related conditions. For these reasons, this variant has been classified as Pathogenic.

Literature cited by the submitters: PubMed 32699352; PubMed 33300650.

NM_020117.11(LARS1):c.2383dup (p.Arg795fs)

Gene: LARS1 (leucyl-tRNA synthetase 1; minus strand). Cytogenetic location: 5q32.
Variant type: Duplication.
Coding change: c.2383dup on transcript NM_020117.11 (MANE Select); coding-DNA position 2383, one base duplicated (A; older notation c.2383dupA).
Protein change: p.Arg795fs; shifts the reading frame from arginine 795.
Molecular consequence: frameshift variant.
Genome position (GRCh38, 1-based): chr5:146,132,911, T duplicated on the plus strand (A on the coding strand, the reverse complement: LARS1 is on the minus strand). VCF-style (leftmost placement, unchanged base first): chr5-146132910-C-CT. GRCh37 (hg19) VCF-style: chr5-145512473-C-CT.
Other names: c.2245dup, p.Arg749fs (NM_001317964.2); c.2221dup, p.Arg741fs (NM_001317965.2); c.2302dup, p.Arg768fs (NM_016460.4); short protein forms R749fs, R795fs, R741fs, R768fs.
Identifiers: ClinVar variation 3699253 (VCV003699253.2).